The following is an entry in ClinVar:

ClinVar aggregate classification (germline): Likely benign. Review status: criteria provided, multiple submitters, no conflicts (2 of 4 stars). 3 submissions from 3 submitters: Likely benign (3). Last evaluated 2025-07-22.

Conditions:
ANO6-related disorder. Also called: ANO6-related condition.

Allele frequency attached by ClinVar (database versions not stated): 1000 Genomes Project 30x 0.00016; gnomAD 0.00120; ESP Exome Variant Server 0.00088; gnomAD exomes 0.00079; TOPMed 0.00068; ExAC 0.00149.
gnomAD v4.1: 1,241 of 1,494,092 alleles (0.083%); highest among the groups gnomAD compares: South Asian, 0.24%; 6 homozygotes.

Submissions (3):

PreventionGenetics, part of Exact Sciences
Classification: Likely benign for ANO6-related condition. Last evaluated: 2025-07-22. Review status: criteria provided, single submitter. Criteria: ACMG Guidelines, 2015. Collection method: clinical testing. Allele origin: germline.
Comment: This variant is classified as likely benign based on ACMG/AMP sequence variant interpretation guidelines (Richards et al. 2015 PMID: 25741868, with internal and published modifications).

Laboratory of Genetics, Children's Clinical University Hospital Latvia
Classification: Likely benign. Last evaluated: 2025-02-16. Review status: criteria provided, single submitter. Criteria: ACMG Guidelines, 2015. Collection method: clinical testing. Allele origin: germline. Affected: yes.

CeGaT Center for Human Genetics Tuebingen
Classification: Likely benign. Last evaluated: 2022-10-01. Review status: criteria provided, single submitter. Criteria: CeGaT Center For Human Genetics Tuebingen Variant Classification Criteria Version 2. Collection method: clinical testing. Allele origin: germline. Affected: yes. Observed: 2 variant alleles.
Comment: ANO6: BP4, BP7

NM_001142679.2(ANO6):c.2760G>A (p.Pro920=)

Gene: ANO6 (anoctamin 6; plus strand). Cytogenetic location: 12q12.
Variant type: single nucleotide variant.
Coding change: c.2760G>A on transcript NM_001142679.2; coding-DNA position 2760, G replaced by A.
Protein change: p.Pro920=; no amino-acid change (proline 920 retained).
Molecular consequence: synonymous variant.
Genome position (GRCh38, 1-based): chr12:45,439,908, G>A. VCF-style: chr12-45439908-G-A. GRCh37 (hg19) VCF-style: chr12-45833691-G-A.
Identifiers: ClinVar variation 2642907 (VCV002642907.24), dbSNP rs111621888, ClinGen allele CA6525732.